The following is an entry in ClinVar:

NM_022124.6(CDH23):c.2289+11_2289+12delinsCT

Gene: CDH23 (cadherin related 23; plus strand). Cytogenetic location: 10q22.1.
Variant type: Indel.
Coding change: c.2289+11_2289+12delinsCT on transcript NM_022124.6 (MANE Select); bases 11 to 12 of the intron after coding-DNA position 2289, TC replaced by CT.
Molecular consequence: intron variant.
Genome position (GRCh38, 1-based): chr10:71,694,270-71,694,271, TC replaced by CT. VCF-style: chr10-71694270-TC-CT. GRCh37 (hg19) VCF-style: chr10-73454027-TC-CT.
Other names: c.2289+11_2289+12delinsCT (NM_001171930.2, NM_001171931.2).
Identifiers: ClinVar variation 227220 (VCV000227220.4), dbSNP rs876657438, ClinGen allele CA10576810.

ClinVar aggregate classification (germline): Likely benign (1 of 4 stars; one submission).

Submission:

Laboratory for Molecular Medicine, Mass General Brigham Personalized Medicine
Classification: Likely benign. Last evaluated: 2015-06-25. Review status: criteria provided, single submitter. Criteria: LMM Criteria. Collection method: clinical testing. Allele origin: germline. Observed: 1 variant allele.
Comment: p.2289+11_2289+12delinsCT in intron 21 of CDH23: This variant is not expected to have clinical significance because it is not located within the splice consensu s sequence.